The following is an entry in ClinVar:

ClinVar aggregate classification (germline): Uncertain significance (1 of 4 stars; one submission).

Submission:

Labcorp Genetics (formerly Invitae), Labcorp
Classification: Uncertain significance. Last evaluated: 2021-04-23. Review status: criteria provided, single submitter. Criteria: Invitae Variant Classification Sherloc (09022015). Collection method: clinical testing. Allele origin: germline.
Comment: In summary, the available evidence is currently insufficient to determine the role of this variant in disease. Therefore, it has been classified as a Variant of Uncertain Significance. This variant has not been reported in the literature in individuals with A2ML1-related conditions. This variant is not present in population databases (ExAC no frequency). This sequence change creates a premature translational stop signal (p.Tyr701*) in the A2ML1 gene. It is expected to result in an absent or disrupted protein product. However, the current clinical and genetic evidence is not sufficient to establish whether loss-of-function variants in A2ML1 cause disease.

NM_144670.6(A2ML1):c.2103C>G (p.Tyr701Ter)

Gene: A2ML1 (alpha-2-macroglobulin like 1; plus strand). Cytogenetic location: 12p13.31.
Variant type: single nucleotide variant.
Coding change: c.2103C>G on transcript NM_144670.6 (MANE Select); coding-DNA position 2103, C replaced by G.
Protein change: p.Tyr701Ter; replaces tyrosine 701 with a stop codon.
Molecular consequence: nonsense.
Genome position (GRCh38, 1-based): chr12:8,849,743, C>G. VCF-style: chr12-8849743-C-G. GRCh37 (hg19) VCF-style: chr12-9002339-C-G.
Other names: c.630C>G, p.Tyr210Ter (NM_001282424.3); short protein forms Y210*, Y701*.
Identifiers: ClinVar variation 1429650 (VCV001429650.6), dbSNP rs370270345, ClinGen allele CA383831982.